The following is an entry in ClinVar:

NM_001009944.3(PKD1):c.11864A>G (p.Gln3955Arg)

Gene: PKD1 (polycystin 1, transient receptor potential channel interacting; minus strand). Cytogenetic location: 16p13.3.
Variant type: single nucleotide variant.
Coding change: c.11864A>G on transcript NM_001009944.3 (MANE Select); coding-DNA position 11864, A replaced by G.
Protein change: p.Gln3955Arg; replaces glutamine 3955 with arginine.
Molecular consequence: missense variant.
Genome position (GRCh38, 1-based): chr16:2,091,023, T>C on the plus strand (A>G on the coding strand, the complement: PKD1 is on the minus strand). VCF-style: chr16-2091023-T-C. GRCh37 (hg19) VCF-style: chr16-2141024-T-C.
Other names: c.11861A>G, p.Gln3954Arg (NM_000296.4); c.11861A>G (NM_000296.3); short protein forms Q3954R, Q3955R.
Identifiers: ClinVar variation 3578892 (VCV003578892.3).

ClinVar aggregate classification (germline): Uncertain significance. Review status: criteria provided, multiple submitters, no conflicts (2 of 4 stars). 3 submissions from 3 submitters: Uncertain significance (3). Last evaluated 2025-01-20.

Conditions:
Polycystic kidney disease, adult type (PKD1). Also called: Polycystic Kidney Disease 1, Autosomal Dominant; Polycystic kidney disease 1; Polycystic kidney disease 1, severe; Polycystic Kidney, Autosomal Dominant; POLYCYSTIC KIDNEY DISEASE, ADULT, TYPE I; POLYCYSTIC KIDNEY DISEASE 1 WITH OR WITHOUT POLYCYSTIC LIVER DISEASE. Identifiers: MedGen C3149841, MONDO:0008263, OMIM 173900.

Submissions (3):

Athena Diagnostics
Classification: Uncertain significance. Last evaluated: 2025-01-20. Review status: criteria provided, single submitter. Criteria: Athena Diagnostics Criteria. Collection method: clinical testing. Allele origin: unknown.
Comment: Available data are insufficient to determine the clinical significance of the variant at this time. This variant has not been reported in large, multi-ethnic general populations. Polyphen and MutationTaster predict this amino acid change may be benign.

Fulgent Genetics
Classification: Uncertain significance for Polycystic kidney disease, adult type. Last evaluated: 2024-06-14. Review status: criteria provided, single submitter. Criteria: ACMG Guidelines, 2015. Collection method: clinical testing. Allele origin: germline.

Blueprint Genetics
Classification: Uncertain significance. Last evaluated: 2021-05-28. Review status: criteria provided, single submitter. Criteria: ACMG Guidelines, 2015. Collection method: clinical testing. Allele origin: germline.